The following is an entry in ClinVar:

ClinVar aggregate classification (germline): Uncertain significance (1 of 4 stars; one submission).

Conditions:
Essential hypertension, genetic (EHT). Identifiers: MedGen CN305331, MONDO:0007781, OMIM 145500.

Submission:

Juno Genomics, Hangzhou Juno Genomics, Inc
Classification: Uncertain significance for Essential hypertension, genetic. Review status: criteria provided, single submitter. Criteria: ACMG Guidelines, 2015. Collection method: clinical testing. Allele origin: germline.
Comment: Absent from controls (or at extremely low frequency if recessive) in Genome Aggregation Database.;Multiple lines of computational evidence support a deleterious effect on the gene or gene product.

NM_001354761.2(ADD1):c.611G>C (p.Gly204Ala)

Gene: ADD1 (adducin 1; plus strand). Cytogenetic location: 4p16.3.
Variant type: single nucleotide variant.
Coding change: c.611G>C on transcript NM_001354761.2 (MANE Select); coding-DNA position 611, G replaced by C.
Protein change: p.Gly204Ala; replaces glycine 204 with alanine.
Molecular consequence: missense variant.
Genome position (GRCh38, 1-based): chr4:2,894,601, G>C. VCF-style: chr4-2894601-G-C. GRCh37 (hg19) VCF-style: chr4-2896328-G-C.
Other names: c.611G>C, p.Gly204Ala (NM_001119.5, NM_001286645.2, NM_001354754.2 and 9 more transcripts); short protein forms G204A.
Identifiers: ClinVar variation 5006768 (VCV005006768.2).